The following is an entry in ClinVar:

NM_014797.3(ZBTB24):c.1750A>T (p.Met584Leu)

Gene: ZBTB24 (zinc finger and BTB domain containing 24; minus strand). Cytogenetic location: 6q21.
Variant type: single nucleotide variant.
Coding change: c.1750A>T on transcript NM_014797.3 (MANE Select); coding-DNA position 1750, A replaced by T.
Protein change: p.Met584Leu; replaces methionine 584 with leucine.
Molecular consequence: missense variant.
Genome position (GRCh38, 1-based): chr6:109,466,195, T>A on the plus strand (A>T on the coding strand, the complement: ZBTB24 is on the minus strand). VCF-style: chr6-109466195-T-A. GRCh37 (hg19) VCF-style: chr6-109787398-T-A.
Other names: short protein forms M584L.
Identifiers: ClinVar variation 539534 (VCV000539534.37), dbSNP rs139491074, ClinGen allele CA3954021.
Genomic context (GRCh38, chr6:109,466,195, plus strand): 5'-TCTGCAGTTGCTCTGGCTGCTGCGTGAGCAGGGTAAGATTAGCAGCCTGGTCTGCAGTCA[T>A]GTTTTGGGAACTCTCTGCAGTCACAATGCTGATTCCCTGGCTAGGACCGGGCATGAAATT-3'
Protein context (NP_055612.2, residues 574-594): SIVTAESSQN[Met584Leu]TADQAANLTL

ClinVar aggregate classification (germline): Conflicting classifications of pathogenicity. Review status: criteria provided, conflicting classifications (1 of 4 stars). 4 submissions from 4 submitters: Uncertain significance (2); Likely benign (2). Last evaluated 2026-02-02.

Conditions:
Inborn genetic diseases. Identifiers: MedGen C0950123, MeSH D030342.
Immunodeficiency-centromeric instability-facial anomalies syndrome 2 (ICF2). Identifiers: Orphanet 2268, MedGen C3279748, MONDO:0013553, OMIM 614069.

Allele frequency attached by ClinVar (database versions not stated): 1000 Genomes Project 30x 0.00016; 1000 Genomes Project 0.00020; gnomAD 0.00073 and 0.00078; TOPMed 0.00079; ExAC 0.00082; ESP Exome Variant Server 0.00115.
gnomAD v4.1: 1,804 of 1,614,242 alleles (0.11%); highest among the groups gnomAD compares: Non-Finnish European, 0.13%; 2 homozygotes.

Submissions (4):

Labcorp Genetics (formerly Invitae), Labcorp
Classification: Uncertain significance for Immunodeficiency-centromeric instability-facial anomalies syndrome 2. Last evaluated: 2026-02-02. Review status: criteria provided, single submitter. Criteria: Invitae Variant Classification Sherloc (09022015). Collection method: clinical testing. Allele origin: germline.
Comment: This sequence change replaces methionine, which is neutral and non-polar, with leucine, which is neutral and non-polar, at codon 584 of the ZBTB24 protein (p.Met584Leu). This variant is present in population databases (rs139491074, gnomAD 0.1%), and has an allele count higher than expected for a pathogenic variant. This variant has not been reported in the literature in individuals affected with ZBTB24-related conditions. ClinVar contains an entry for this variant (Variation ID: 539534). An algorithm developed to predict the effect of missense changes on protein structure and function outputs the following: PolyPhen-2: "Benign". The leucine amino acid residue is found in multiple mammalian species, which suggests that this missense change does not adversely affect protein function. In summary, the available evidence is currently insufficient to determine the role of this variant in disease. Therefore, it has been classified as a Variant of Uncertain Significance.

CeGaT Center for Human Genetics Tuebingen
Classification: Likely benign. Last evaluated: 2024-05-01. Review status: criteria provided, single submitter. Criteria: CeGaT Center For Human Genetics Tuebingen Variant Classification Criteria Version 2. Collection method: clinical testing. Allele origin: germline. Affected: yes. Observed: 1 variant allele.
Comment: ZBTB24: BP4, BS2

Ambry Genetics
Classification: Likely benign for Inborn genetic diseases. Last evaluated: 2021-12-14. Review status: criteria provided, single submitter. Criteria: Ambry Variant Classification Scheme 2023. Collection method: clinical testing. Allele origin: germline.

ARUP Laboratories, Molecular Genetics and Genomics, ARUP Laboratories
Classification: Uncertain significance for Immunodeficiency-centromeric instability-facial anomalies syndrome 2. Last evaluated: 2019-12-19. Review status: criteria provided, single submitter. Criteria: ARUP Molecular Germline Variant Investigation Process. Collection method: clinical testing. Allele origin: germline.
Comment: The ZBTB24 c.1750A>T; p.Met584Leu variant (rs139491074), to our knowledge, is not reported in the medical literature but is reported in ClinVar (Variation ID: 539534). This variant is found in the general population with an overall allele frequency of 0.077% (219/282608 alleles) in the Genome Aggregation Database. The methionine at codon 584 is weakly conserved, but computational analyses (SIFT, PolyPhen-2) predict that this variant is tolerated. Due to limited information, the clinical significance of the p.Met584Leu variant is uncertain at this time.

Literature cited by the submitters: PubMed 28518168 (cited by Ambry Genetics); PubMed 32461654 (cited by Ambry Genetics).